The following is an entry in ClinVar:

ClinVar aggregate classification (germline): Pathogenic/Likely pathogenic. Review status: criteria provided, multiple submitters, no conflicts (2 of 4 stars). 4 submissions from 4 submitters: Pathogenic (3); Likely pathogenic (1). Last evaluated 2026-03-09.

Conditions:
Retinitis pigmentosa 25 (RP25). Identifiers: Orphanet 791, MedGen C1864446, MONDO:0011272, OMIM 602772.
Retinal disorder. Also called: Retinopathies; Retinal Diseases; Retinal disorders; Retinopathy. Identifiers: MedGen C0035309, MONDO:0005283, HP:0000488.

Submissions (4):

Myriad Genetics, Inc.
Classification: Pathogenic for Retinitis pigmentosa 25. Last evaluated: 2026-03-09. Review status: criteria provided, single submitter. Criteria: Myriad Autosomal Dominant, Autosomal Recessive and X-Linked Classification Criteria (2023). Collection method: clinical testing. Allele origin: unknown.
Comment: NM_001142800.1(EYS):c.5487dupA(E1830Rfs*16) is a frameshift variant classified as pathogenic in the context of retinitis pigmentosa, EYS-related. E1830Rfs*16 has not been observed in cases with relevant disease. Relevant functional assessments of this variant are not available in the literature. E1830Rfs*16 has not been observed in referenced population frequency databases. In summary, NM_001142800.1(EYS):c.5487dupA(E1830Rfs*16) is a frameshift variant in a gene where loss of function is a known mechanism of disease and is predicted to disrupt protein function. Please note: this variant was assessed in the context of healthy population screening.

3billion
Classification: Pathogenic for Retinitis pigmentosa 25. Last evaluated: 2024-06-14. Review status: criteria provided, single submitter. Criteria: ACMG Guidelines, 2015. Collection method: clinical testing. Allele origin: germline. Affected: yes.
Comment: The variant is not observed in the gnomAD v4.0.0 dataset. Predicted Consequence/Location: Frameshift: predicted to result in a loss or disruption of normal protein function through nonsense-mediated decay (NMD) or protein truncation. Multiple pathogenic variants are reported downstream of the variant. The variant has been reported to be in trans with a pathogenic variant as either compound heterozygous or homozygous in at least one similarly affected unrelated individual (3billion dataset). The variant has been reported to be associated with EYS related disorder (ClinVar ID: VCV002675342). Therefore, this variant is classified as Pathogenic according to the recommendation of ACMG/AMP guideline.

AURAGEN, Plan France Médecine Génomique
Classification: Pathogenic for Retinal disorder. Last evaluated: 2022-06-13. Review status: criteria provided, single submitter. Criteria: PFMG2025 (Lancet Reg Health Eur. 2025). Collection method: clinical testing. Allele origin: germline. Affected: yes.

Baylor Genetics
Classification: Likely pathogenic for Retinitis pigmentosa 25. Last evaluated: 2021-12-09. Review status: criteria provided, single submitter. Criteria: ACMG Guidelines, 2015. Collection method: clinical testing. Allele origin: unknown.

NM_001142800.2(EYS):c.5487dup (p.Glu1830fs)

Gene: EYS (EGF-like photoreceptor maintenance factor; minus strand). Cytogenetic location: 6q12.
Variant type: Duplication.
Coding change: c.5487dup on transcript NM_001142800.2 (MANE Select); coding-DNA position 5487, one base duplicated (A; older notation c.5487dupA).
Protein change: p.Glu1830fs; shifts the reading frame from glutamic acid 1830.
Molecular consequence: frameshift variant.
Genome position (GRCh38, 1-based): chr6:64,590,380, T duplicated on the plus strand (A on the coding strand, the reverse complement: EYS is on the minus strand); the first of 6 consecutive T bases (chr6:64,590,380-64,590,385); duplicating any one gives the same sequence. VCF-style (leftmost placement, unchanged base first): chr6-64590379-C-CT. GRCh37 (hg19) VCF-style: chr6-65300272-C-CT.
Other names: c.5487dup, p.Glu1830fs (NM_001292009.2); short protein forms E1830fs.
Identifiers: ClinVar variation 2675342 (VCV002675342.5), dbSNP rs2533149036, ClinGen allele CA645542538.